The following is an entry in ClinVar:

NM_001378457.1(DMXL2):c.3185G>T (p.Ser1062Ile)

Gene: DMXL2 (Dmx like 2; minus strand). Cytogenetic location: 15q21.2.
Variant type: single nucleotide variant.
Coding change: c.3185G>T on transcript NM_001378457.1 (MANE Select); coding-DNA position 3185, G replaced by T.
Protein change: p.Ser1062Ile; replaces serine 1062 with isoleucine.
Molecular consequence: missense variant. On other transcripts: non-coding transcript variant (2), intron variant (2).
Genome position (GRCh38, 1-based): chr15:51,500,039, C>A on the plus strand (G>T on the coding strand, the complement: DMXL2 is on the minus strand). VCF-style: chr15-51500039-C-A. GRCh37 (hg19) VCF-style: chr15-51792236-C-A.
Other names: c.3185G>T, p.Ser1062Ile (NM_001174116.3, NM_001378458.1, NM_001378459.1 and 4 more transcripts); c.2945G>T, p.Ser982Ile (NM_001378464.1); c.2764+7095G>T (NM_001378460.1); c.2765-4905G>T (NM_001174117.3); short protein forms S1062I, S982I.
Identifiers: ClinVar variation 2010304 (VCV002010304.4), dbSNP rs2548509982, ClinGen allele CA392437344.

ClinVar aggregate classification (germline): Uncertain significance (1 of 4 stars; one submission).

Allele frequency attached by ClinVar (database versions not stated): gnomAD exomes 0.00001.
gnomAD v4.1: 6 of 1,614,162 alleles (0.00037%); highest among the groups gnomAD compares: Non-Finnish European, 0.00051%; no homozygotes.

Submission:

Labcorp Genetics (formerly Invitae), Labcorp
Classification: Uncertain significance. Last evaluated: 2022-06-24. Review status: criteria provided, single submitter. Criteria: Invitae Variant Classification Sherloc (09022015). Collection method: clinical testing. Allele origin: germline.
Comment: This sequence change replaces serine, which is neutral and polar, with isoleucine, which is neutral and non-polar, at codon 1062 of the DMXL2 protein (p.Ser1062Ile). In summary, the available evidence is currently insufficient to determine the role of this variant in disease. Therefore, it has been classified as a Variant of Uncertain Significance. Algorithms developed to predict the effect of missense changes on protein structure and function are either unavailable or do not agree on the potential impact of this missense change (SIFT: "Tolerated"; PolyPhen-2: "Possibly Damaging"; Align-GVGD: "Class C0"). This variant has not been reported in the literature in individuals affected with DMXL2-related conditions. This variant is not present in population databases (gnomAD no frequency).